The following is an entry in ClinVar:

ClinVar aggregate classification (germline): Uncertain significance (1 of 4 stars; one submission).

Conditions:
POLD1-related polyposis and colorectal cancer syndrome (CRCS10). Also called: Colorectal cancer, susceptibility to, 10; Colorectal cancer 10; COLORECTAL CANCER, SUSCEPTIBILITY TO, ON CHROMOSOME 19q. Identifiers: Orphanet 220460, MedGen C2675481, MONDO:0012953, OMIM 612591.

Submission:

Labcorp Genetics (formerly Invitae), Labcorp
Classification: Uncertain significance for POLD1-related polyposis and colorectal cancer syndrome. Last evaluated: 2018-07-20. Review status: criteria provided, single submitter. Criteria: Invitae Variant Classification Sherloc (09022015). Collection method: clinical testing. Allele origin: germline.
Comment: This sequence change replaces valine with leucine at codon 533 of the POLD1 protein (p.Val533Leu). The valine residue is weakly conserved and there is a small physicochemical difference between valine and leucine. This variant is not present in population databases (ExAC no frequency). This variant has not been reported in the literature in individuals with POLD1-related disease. Algorithms developed to predict the effect of missense changes on protein structure and function (SIFT, PolyPhen-2, Align-GVGD) all suggest that this variant is likely to be tolerated, but these predictions have not been confirmed by published functional studies and their clinical significance is uncertain. In summary, the available evidence is currently insufficient to determine the role of this variant in disease. Therefore, it has been classified as a Variant of Uncertain Significance.

NM_002691.4(POLD1):c.1597G>C (p.Val533Leu)

Gene: POLD1 (DNA polymerase delta 1, catalytic subunit; plus strand). Cytogenetic location: 19q13.33.
Variant type: single nucleotide variant.
Coding change: c.1597G>C on transcript NM_002691.4 (MANE Select); coding-DNA position 1597, G replaced by C.
Protein change: p.Val533Leu; replaces valine 533 with leucine.
Molecular consequence: missense variant. On other transcripts: non-coding transcript variant (1).
Genome position (GRCh38, 1-based): chr19:50,407,085, G>C. VCF-style: chr19-50407085-G-C. GRCh37 (hg19) VCF-style: chr19-50910342-G-C.
Other names: c.1597G>C, p.Val533Leu (NM_001256849.1, NM_001308632.1); short protein forms V533L.
Identifiers: ClinVar variation 649750 (VCV000649750.8), dbSNP rs758602573, ClinGen allele CA406980938.
Genomic context (GRCh38, chr19:50,407,085, plus strand): 5'-CTGAAGGATGCCTACCTGCCACTGCGGCTGCTGGAGCGGCTCATGGTGCTGGTGAACGCC[G>C]TGGAGATGGCGAGGGTCACTGGCGTGCCCCTCAGCTACCTGCTCAGTCGTGGCCAGCAGG-3'
Protein context (NP_002682.2, residues 523-543): LERLMVLVNA[Val533Leu]EMARVTGVPL